The following is an entry in ClinVar:

ClinVar aggregate classification (germline): Uncertain significance. Review status: criteria provided, multiple submitters, no conflicts (2 of 4 stars). 5 submissions from 5 submitters: Uncertain significance (5). Last evaluated 2026-01-14.

Conditions:
Cardiovascular phenotype. Identifiers: MedGen CN230736.
Primary familial hypertrophic cardiomyopathy (HCM). Identifiers: Orphanet 99739, MedGen C0949658, MeSH D024741, MONDO:0024573. Inheritance: Various modes of inheritance.
Hypertrophic cardiomyopathy 25 (CMH25). Also called: CARDIOMYOPATHY, FAMILIAL HYPERTROPHIC, 25. Identifiers: MedGen C4225408, MONDO:0011843, OMIM 607487.
Autosomal recessive limb-girdle muscular dystrophy type 2G (LGMDR7). Also called: Limb-girdle muscular dystrophy, type 2G; Telethoninopathy; MUSCULAR DYSTROPHY, LIMB-GIRDLE, AUTOSOMAL RECESSIVE 7. Identifiers: Orphanet 34514, MedGen C1866008, MONDO:0011170, OMIM 601954.

Allele frequency attached by ClinVar (database versions not stated): gnomAD exomes below 0.00001; gnomAD 0.00001; TOPMed 0.00002; ESP Exome Variant Server 0.00008; 1000 Genomes Project 30x 0.00016.

Submissions (5):

Labcorp Genetics (formerly Invitae), Labcorp
Classification: Uncertain significance for Hypertrophic cardiomyopathy 25; Primary familial hypertrophic cardiomyopathy. Last evaluated: 2026-01-14. Review status: criteria provided, single submitter. Criteria: Invitae Variant Classification Sherloc (09022015). Collection method: clinical testing. Allele origin: germline.
Comment: This sequence change replaces arginine, which is basic and polar, with histidine, which is basic and polar, at codon 130 of the TCAP protein (p.Arg130His). This variant is not present in population databases (gnomAD no frequency). This variant has not been reported in the literature in individuals affected with TCAP-related conditions. ClinVar contains an entry for this variant (Variation ID: 195199). An algorithm developed to predict the effect of missense changes on protein structure and function (PolyPhen-2) suggests that this variant is likely to be disruptive. In summary, the available evidence is currently insufficient to determine the role of this variant in disease. Therefore, it has been classified as a Variant of Uncertain Significance.

Ambry Genetics
Classification: Uncertain significance for Cardiovascular phenotype. Last evaluated: 2025-01-10. Review status: criteria provided, single submitter. Criteria: Ambry Variant Classification Scheme 2023. Collection method: clinical testing. Allele origin: germline.
Comment: The p.R130H variant (also known as c.389G>A), located in coding exon 2 of the TCAP gene, results from a G to A substitution at nucleotide position 389. The arginine at codon 130 is replaced by histidine, an amino acid with highly similar properties. This variant was detected in a cardiomyopathy genetic testing cohort; however, clinical details were limited, and additional cardiac variants were detected in some cases (van Lint FHM et al. Neth Heart J, 2019 Jun;27:304-309). This amino acid position is well conserved in available vertebrate species. In addition, the in silico prediction for this alteration is inconclusive. Based on the available evidence, the clinical significance of this variant remains unclear.

Centre for Mendelian Genomics, University Medical Centre Ljubljana
Classification: Uncertain significance for Autosomal recessive limb-girdle muscular dystrophy type 2G. Last evaluated: 2020-01-30. Review status: criteria provided, single submitter. Criteria: ACMG Guidelines, 2015. Collection method: clinical testing. Allele origin: unknown. Affected: yes.
Comment: This variant was classified as: Uncertain significance. The available evidence on this variant's pathogenicity is insufficient or conflicting. The following ACMG criteria were applied in classifying this variant: PM2,PP3.

GeneDx
Classification: Uncertain significance. Last evaluated: 2019-05-30. Review status: criteria provided, single submitter. Criteria: GeneDx Variant Classification Process June 2021. Collection method: clinical testing. Allele origin: germline. Affected: yes.
Comment: Not observed at a significant frequency in large population cohorts (Lek et al., 2016); The majority of missense variants in this gene are considered pathogenic; In silico analysis, which includes protein predictors and evolutionary conservation, supports a deleterious effect; Has not been previously published as pathogenic or benign to our knowledge

Eurofins Ntd Llc (ga)
Classification: Uncertain significance. Last evaluated: 2014-10-17. Review status: criteria provided, single submitter. Criteria: EGL Classification Definitions 2015. Collection method: clinical testing. Allele origin: germline. Observed: 1 variant allele, 1 heterozygote.

Literature cited by the submitters: PubMed 30847666 (cited by Ambry Genetics).

NM_003673.4(TCAP):c.389G>A (p.Arg130His)

Gene: TCAP (titin-cap; plus strand). Cytogenetic location: 17q12.
Variant type: single nucleotide variant.
Coding change: c.389G>A on transcript NM_003673.4 (MANE Select); coding-DNA position 389, G replaced by A.
Protein change: p.Arg130His; replaces arginine 130 with histidine.
Molecular consequence: missense variant.
Genome position (GRCh38, 1-based): chr17:39,665,994, G>A. VCF-style: chr17-39665994-G-A. GRCh37 (hg19) VCF-style: chr17-37822247-G-A.
Other names: short protein forms R130H.
Identifiers: ClinVar variation 195199 (VCV000195199.20), dbSNP rs147503632, ClinGen allele CA241516.
Genomic context (GRCh38, chr17:39,665,994, plus strand): 5'-CCATCCAGCTTCAGGAGCTGCTGGCGCTGGAGACAGCCCTGGGTGGCCAGTGTGTGGACC[G>A]CCAGGAGGTGGCTGAGATCACAAAGCAGCTGCCCCCTGTGGTGCCTGTCAGCAAGCCCGG-3'
Protein context (NP_003664.1, residues 120-140): ETALGGQCVD[Arg130His]QEVAEITKQL